The following is an entry in ClinVar:

ClinVar aggregate classification (germline): Uncertain significance (1 of 4 stars; one submission).

Conditions:
Cryptosporidiosis-chronic cholangitis-liver disease syndrome. Also called: IL21R immunodeficiency; Immunodeficiency type 56. Identifiers: Orphanet 357329, MedGen C3554687, MONDO:0014082, OMIM 615207.

Allele frequency attached by ClinVar (database versions not stated): gnomAD exomes below 0.00001; TOPMed 0.00001.
gnomAD v4.1: 1 of 1,613,486 alleles (0.000062%); highest among the groups gnomAD compares: African/African-American, 0.0013%; no homozygotes.

Submission:

Labcorp Genetics (formerly Invitae), Labcorp
Classification: Uncertain significance for Cryptosporidiosis-chronic cholangitis-liver disease syndrome. Last evaluated: 2021-09-02. Review status: criteria provided, single submitter. Criteria: Invitae Variant Classification Sherloc (09022015). Collection method: clinical testing. Allele origin: germline.
Comment: This sequence change replaces asparagine with lysine at codon 357 of the IL21R protein (p.Asn357Lys). The asparagine residue is weakly conserved and there is a moderate physicochemical difference between asparagine and lysine. This variant is not present in population databases (ExAC no frequency). This variant has not been reported in the literature in individuals affected with IL21R-related conditions. Algorithms developed to predict the effect of missense changes on protein structure and function (SIFT, PolyPhen-2, Align-GVGD) all suggest that this variant is likely to be tolerated. In summary, the available evidence is currently insufficient to determine the role of this variant in disease. Therefore, it has been classified as a Variant of Uncertain Significance.

NM_181078.3(IL21R):c.1071C>A (p.Asn357Lys)

Genes: IL21R (interleukin 21 receptor; plus strand), IL21R-AS1 (IL21R antisense RNA 1; minus strand). Cytogenetic location: 16p12.1.
Variant type: single nucleotide variant.
Coding change: c.1071C>A on transcript NM_181078.3 (MANE Select); coding-DNA position 1071, C replaced by A.
Protein change: p.Asn357Lys; replaces asparagine 357 with lysine.
Molecular consequence: missense variant. On other transcripts: non-coding transcript variant (1).
Genome position (GRCh38, 1-based): chr16:27,448,737, C>A. VCF-style: chr16-27448737-C-A. GRCh37 (hg19) VCF-style: chr16-27460058-C-A.
Other names: c.1071C>A, p.Asn357Lys (NM_021798.4); c.1137C>A, p.Asn379Lys (NM_181079.5); short protein forms N379K, N357K.
Identifiers: ClinVar variation 942699 (VCV000942699.7), dbSNP rs1442303038, ClinGen allele CA395307134.
Genomic context (GRCh38, chr16:27,448,737, plus strand): 5'-AGCAGAGCTGGTGGAGTCTGACGGTGTGCCCAAGCCCAGCTTCTGGCCGACAGCCCAGAA[C>A]TCGGGGGGCTCAGCTTACAGTGAGGAGAGGGATCGGCCATACGGCCTGGTGTCCATTGAC-3'
Protein context (NP_851564.1, residues 347-367): PKPSFWPTAQ[Asn357Lys]SGGSAYSEER